The following is an entry in ClinVar:

NM_005297.4(MCHR1):c.679G>A (p.Ala227Thr)

Gene: MCHR1 (melanin concentrating hormone receptor 1; plus strand). Cytogenetic location: 22q13.2.
Variant type: single nucleotide variant.
Coding change: c.679G>A on transcript NM_005297.4 (MANE Select); coding-DNA position 679, G replaced by A.
Protein change: p.Ala227Thr; replaces alanine 227 with threonine.
Molecular consequence: missense variant.
Genome position (GRCh38, 1-based): chr22:40,681,545, G>A. VCF-style: chr22-40681545-G-A. GRCh37 (hg19) VCF-style: chr22-41077549-G-A.
Other names: short protein forms A227T.
Identifiers: ClinVar variation 2628608 (VCV002628608.3), dbSNP rs149149384, ClinGen allele CA10250293.
Genomic context (GRCh38, chr22:40,681,545, plus strand): 5'-TGGTTCACCCTGTACCAGTTTTTCCTGGCCTTTGCCCTGCCTTTTGTGGTCATCACAGCC[G>A]CATACGTGAGGATCCTGCAGCGCATGACGTCCTCAGTGGCCCCCGCCTCCCAGCGCAGCA-3'
Protein context (NP_005288.4, residues 217-237): FALPFVVITA[Ala227Thr]YVRILQRMTS

ClinVar aggregate classification (germline): Uncertain significance (0 of 4 stars; one submission).

Conditions:
MCHR1-related disorder. Also called: MCHR1-related condition.

Allele frequency attached by ClinVar (database versions not stated): gnomAD exomes 0.00005; ExAC 0.00007; TOPMed 0.00020; gnomAD 0.00023; ESP Exome Variant Server 0.00031; 1000 Genomes Project 0.00040; 1000 Genomes Project 30x 0.00062.
gnomAD v4.1: 105 of 1,612,852 alleles (0.0065%); highest among the groups gnomAD compares: African/African-American, 0.091%; no homozygotes.

Submission:

PreventionGenetics, part of Exact Sciences
Classification: Uncertain significance for MCHR1-related condition. Last evaluated: 2024-09-06. Review status: no assertion criteria provided. Collection method: clinical testing. Allele origin: germline.
Comment: The MCHR1 c.886G>A variant is predicted to result in the amino acid substitution p.Ala296Thr. To our knowledge, this variant has not been reported in the literature. This variant is reported in 0.080% of alleles in individuals of African descent in gnomAD. At this time, the clinical significance of this variant is uncertain due to the absence of conclusive functional and genetic evidence.